The following is an entry in ClinVar:

NM_001385125.1(OPN1SW):c.678+2T>C

Gene: OPN1SW (opsin 1, short wave sensitive; minus strand). Cytogenetic location: 7q32.1.
Variant type: single nucleotide variant.
Coding change: c.678+2T>C on transcript NM_001385125.1 (MANE Select); the canonical splice donor site of the intron after coding-DNA position 678, T replaced by C.
Molecular consequence: splice donor variant.
Genome position (GRCh38, 1-based): chr7:128,774,496, A>G on the plus strand (T>C on the coding strand, the complement: OPN1SW is on the minus strand). VCF-style: chr7-128774496-A-G. GRCh37 (hg19) VCF-style: chr7-128414550-A-G.
Identifiers: ClinVar variation 1464549 (VCV001464549.6), dbSNP rs1801713398, ClinGen allele CA369218259.

ClinVar aggregate classification (germline): Uncertain significance (1 of 4 stars; one submission).

Allele frequency attached by ClinVar (database versions not stated): gnomAD 0.00001.
gnomAD v4.1: 2 of 1,613,688 alleles (0.00012%); highest among the groups gnomAD compares: Admixed American, 0.0017%; no homozygotes.

Submission:

Labcorp Genetics (formerly Invitae), Labcorp
Classification: Uncertain significance. Last evaluated: 2024-09-04. Review status: criteria provided, single submitter. Criteria: Invitae Variant Classification Sherloc (09022015). Collection method: clinical testing. Allele origin: germline.
Comment: This sequence change affects a donor splice site in intron 3 of the OPN1SW gene. It is expected to disrupt RNA splicing. Variants that disrupt the donor or acceptor splice site typically lead to a loss of protein function (PMID: 16199547), however the current clinical and genetic evidence is not sufficient to establish whether loss-of-function variants in OPN1SW cause disease. This variant is not present in population databases (gnomAD no frequency). This variant has not been reported in the literature in individuals affected with OPN1SW-related conditions. ClinVar contains an entry for this variant (Variation ID: 1464549). Algorithms developed to predict the effect of sequence changes on RNA splicing suggest that this variant may disrupt the consensus splice site. In summary, the available evidence is currently insufficient to determine the role of this variant in disease. Therefore, it has been classified as a Variant of Uncertain Significance.

Literature cited by the submitters: PubMed 16199547.